The following is an entry in ClinVar:

NM_001386393.1(PANK2):c.1333-2A>G

Gene: PANK2 (pantothenate kinase 2; plus strand). Cytogenetic location: 20p13.
Variant type: single nucleotide variant.
Coding change: c.1333-2A>G on transcript NM_001386393.1 (MANE Select); the canonical splice acceptor site of the intron before coding-DNA position 1333, A replaced by G.
Molecular consequence: splice acceptor variant.
Genome position (GRCh38, 1-based): chr20:3,923,242, A>G. VCF-style: chr20-3923242-A-G. GRCh37 (hg19) VCF-style: chr20-3903889-A-G.
Other names: c.790-2A>G (NM_024960.6, NM_001324191.2, NM_153640.4); c.1663-2A>G (NM_153638.4); c.355-2A>G (NM_001324193.2).
Identifiers: ClinVar variation 4086254 (VCV004086254.1).

ClinVar aggregate classification (germline): Likely pathogenic (1 of 4 stars; one submission).

Conditions:
Pigmentary pallidal degeneration (NBIA1). Also called: Neurodegeneration with brain iron accumulation 1; HARP SYNDROME; PKAN NEUROAXONAL DYSTROPHY, JUVENILE-ONSET; Pantothenate Kinase-Associated Neurodegeneration; Neuroaxonal dystrophy, late infantile; Hallervorden-Spatz disease. Identifiers: Orphanet 157850, MedGen C0018523, MONDO:0009319, OMIM 234200.

gnomAD v4.1: 2 of 1,614,116 alleles (0.00012%); highest among the groups gnomAD compares: Non-Finnish European, 0.00017%; no homozygotes.

Submission:

Neuberg Centre For Genomic Medicine, NCGM
Classification: Likely pathogenic for Pigmentary pallidal degeneration. Review status: criteria provided, single submitter. Criteria: ACMG Guidelines, 2015. Collection method: clinical testing. Allele origin: germline. Inheritance: Autosomal recessive inheritance. Affected: yes.
Comment: Pantothenate kinase-associated neurodegeneration (PKAN) is a type of neurodegeneration with brain iron accumulation (NBIA). The phenotypic spectrum of PKAN includes classic PKAN and atypical PKAN. Classic PKAN is characterized by early-childhood onset of progressive dystonia, dysarthria, rigidity, and choreoathetosis. Pigmentary retinal degeneration is common. Atypical PKAN is characterized by later onset (age >10 years), prominent speech defects, psychiatric disturbances, and more gradual progression of disease.The diagnosis of PKAN is established with the characteristic clinical features and the "eye of the tiger" sign identified on brain MRI (a central region of hyperintensity surrounded by a rim of hypointensity on coronal or transverse T2-weighted images of the globus pallidus) (Gregory A, Hayflick SJ. 2017).